The following is an entry in ClinVar:

NM_000719.7(CACNA1C):c.2104-3C>T

Gene: CACNA1C (calcium voltage-gated channel subunit alpha1 C; plus strand). Cytogenetic location: 12p13.33.
Variant type: single nucleotide variant.
Coding change: c.2104-3C>T on transcript NM_000719.7 (MANE Select); 3 bases into the intron before coding-DNA position 2104, C replaced by T.
Molecular consequence: intron variant.
Genome position (GRCh38, 1-based): chr12:2,582,819, C>T. VCF-style: chr12-2582819-C-T. GRCh37 (hg19) VCF-style: chr12-2691985-C-T.
Other names: c.2104-3C>T (NM_001167624.3, NM_001167623.2, NM_001167625.2 and 19 more transcripts); c.2095-3C>T (NM_001129844.2).
Identifiers: ClinVar variation 2191550 (VCV002191550.2), dbSNP rs2514928580, ClinGen allele CA2580085170.

ClinVar aggregate classification (germline): Conflicting classifications of pathogenicity. Review status: criteria provided, conflicting classifications (1 of 4 stars). 2 submissions from 2 submitters: Uncertain significance (1); Likely benign (1). Last evaluated 2026-02-07.

Conditions:
CACNA1C-related disorder. Also called: CACNA1C-related disorders; CACNA1C-related condition. Identifiers: MedGen CN381092, MONDO:0700321.
Long QT syndrome (LQTS). Identifiers: MedGen C0023976, MeSH D008133, MONDO:0002442. Disease mechanism: loss of function. Inheritance: Various modes of inheritance.

Submissions (2):

PreventionGenetics, part of Exact Sciences
Classification: Likely benign for CACNA1C-related condition. Last evaluated: 2026-02-07. Review status: criteria provided, single submitter. Criteria: ACMG Guidelines, 2015. Collection method: clinical testing. Allele origin: germline.
Comment: This variant is classified as likely benign based on ACMG/AMP sequence variant interpretation guidelines (Richards et al. 2015 PMID: 25741868, with internal and published modifications).

Labcorp Genetics (formerly Invitae), Labcorp
Classification: Uncertain significance for Long QT syndrome. Last evaluated: 2022-10-07. Review status: criteria provided, single submitter. Criteria: Invitae Variant Classification Sherloc (09022015). Collection method: clinical testing. Allele origin: germline.
Comment: This sequence change falls in intron 14 of the CACNA1C gene. It does not directly change the encoded amino acid sequence of the CACNA1C protein. It affects a nucleotide within the consensus splice site. This variant is not present in population databases (gnomAD no frequency). This variant has not been reported in the literature in individuals affected with CACNA1C-related conditions. Variants that disrupt the consensus splice site are a relatively common cause of aberrant splicing (PMID: 17576681, 9536098). Algorithms developed to predict the effect of sequence changes on RNA splicing suggest that this variant is not likely to affect RNA splicing. In summary, the available evidence is currently insufficient to determine the role of this variant in disease. Therefore, it has been classified as a Variant of Uncertain Significance.

Literature cited by the submitters: PubMed 17576681 (cited by Labcorp Genetics (formerly Invitae), Labcorp); PubMed 9536098 (cited by Labcorp Genetics (formerly Invitae), Labcorp).